The following is an entry in ClinVar:

ClinVar aggregate classification (germline): Uncertain significance (1 of 4 stars; one submission).

Conditions:
Cystic fibrosis (CF). Also called: MUCOVISCIDOSIS. Identifiers: Orphanet 586, MedGen C0010674, MONDO:0009061, OMIM 219700. Disease mechanism: loss of function.

Submission:

Ambry Genetics
Classification: Uncertain significance for Cystic fibrosis. Last evaluated: 2024-12-12. Review status: criteria provided, single submitter. Criteria: Ambry Variant Classification Scheme 2023. Collection method: clinical testing. Allele origin: germline.
Comment: The p.F157L variant (also known as c.469T>C), located in coding exon 4 of the CFTR gene, results from a T to C substitution at nucleotide position 469. The phenylalanine at codon 157 is replaced by leucine, an amino acid with highly similar properties. This amino acid position is conserved. In addition, this alteration is predicted to be deleterious by in silico analysis. Based on the available evidence, the clinical significance of this variant remains unclear.

NM_000492.4(CFTR):c.469T>C (p.Phe157Leu)

Gene: CFTR (CF transmembrane conductance regulator; plus strand). Cytogenetic location: 7q31.2.
Variant type: single nucleotide variant.
Coding change: c.469T>C on transcript NM_000492.4 (MANE Select); coding-DNA position 469, T replaced by C.
Protein change: p.Phe157Leu; replaces phenylalanine 157 with leucine.
Molecular consequence: missense variant.
Genome position (GRCh38, 1-based): chr7:117,531,094, T>C. VCF-style: chr7-117531094-T-C. GRCh37 (hg19) VCF-style: chr7-117171148-T-C.
Other names: short protein forms F157L.
Identifiers: ClinVar variation 3832549 (VCV003832549.1).